The following is an entry in ClinVar:

NM_025081.3(NYNRIN):c.3048G>C (p.Glu1016Asp)

Gene: NYNRIN (NYN domain and retroviral integrase containing; plus strand). Cytogenetic location: 14q12.
Variant type: single nucleotide variant.
Coding change: c.3048G>C on transcript NM_025081.3 (MANE Select); coding-DNA position 3048, G replaced by C.
Protein change: p.Glu1016Asp; replaces glutamic acid 1016 with aspartic acid.
Molecular consequence: missense variant.
Genome position (GRCh38, 1-based): chr14:24,414,797, G>C. VCF-style: chr14-24414797-G-C. GRCh37 (hg19) VCF-style: chr14-24884003-G-C.
Other names: short protein forms E1016D.
Identifiers: ClinVar variation 3687962 (VCV003687962.2).

ClinVar aggregate classification (germline): Uncertain significance (1 of 4 stars; one submission).

gnomAD v4.1: 79 of 1,613,810 alleles (0.0049%); highest among the groups gnomAD compares: South Asian, 0.062%; no homozygotes.

Submission:

Labcorp Genetics (formerly Invitae), Labcorp
Classification: Uncertain significance. Last evaluated: 2024-10-27. Review status: criteria provided, single submitter. Criteria: Invitae Variant Classification Sherloc (09022015). Collection method: clinical testing. Allele origin: germline.
Comment: This sequence change replaces glutamic acid, which is acidic and polar, with aspartic acid, which is acidic and polar, at codon 1016 of the NYNRIN protein (p.Glu1016Asp). This variant is present in population databases (rs550900598, gnomAD 0.07%), and has an allele count higher than expected for a pathogenic variant. This variant has not been reported in the literature in individuals affected with NYNRIN-related conditions. Experimental studies and prediction algorithms are not available or were not evaluated, and the functional significance of this variant is currently unknown. In summary, the available evidence is currently insufficient to determine the role of this variant in disease. Therefore, it has been classified as a Variant of Uncertain Significance.